The following is an entry in ClinVar:

NM_003072.5(SMARCA4):c.1784A>G (p.Gln595Arg)

Gene: SMARCA4 (SWI/SNF related BAF chromatin remodeling complex subunit ATPase 4; plus strand). Cytogenetic location: 19p13.2.
Variant type: single nucleotide variant.
Coding change: c.1784A>G on transcript NM_003072.5 (MANE Select); coding-DNA position 1784, A replaced by G.
Protein change: p.Gln595Arg; replaces glutamine 595 with arginine.
Molecular consequence: missense variant. On other transcripts: non-coding transcript variant (1).
Genome position (GRCh38, 1-based): chr19:10,996,516, A>G. VCF-style: chr19-10996516-A-G. GRCh37 (hg19) VCF-style: chr19-11107192-A-G.
Other names: c.1784A>G (NM_001128849.1); c.1784A>G, p.Gln595Arg (NM_001128844.3, NM_001128845.2, NM_001128846.2 and 6 more transcripts); short protein forms Q595R.
Identifiers: ClinVar variation 2129099 (VCV002129099.5), dbSNP rs2087065585, ClinGen allele CA404064801.
Genomic context (GRCh38, chr19:10,996,516, plus strand): 5'-GTGGGTCAGGGCCTGACCGTGTCTCTCTCTATTTCCAGAAGGCAGAAAATGCAGAAGGAC[A>G]GACGCCTGCCATTGGGCCGGATGGCGAGGTGAGGAAGCAGGGTTTCTTGTGGAAGTATCA-3'
Protein context (NP_003063.2, residues 585-605): KKKKAENAEG[Gln595Arg]TPAIGPDGEP

ClinVar aggregate classification (germline): Uncertain significance. Review status: criteria provided, multiple submitters, no conflicts (2 of 4 stars). 2 submissions from 2 submitters: Uncertain significance (2). Last evaluated 2025-05-15.

Conditions:
Rhabdoid tumor predisposition syndrome 2 (RTPS2). Identifiers: Orphanet 231108, Orphanet 69077, MedGen C2750074, MONDO:0013224, OMIM 613325.
Hereditary cancer-predisposing syndrome. Also called: Hereditary neoplastic syndrome; Tumor predisposition; Hereditary Cancer Syndrome; Neoplastic Syndromes, Hereditary. Identifiers: Orphanet 140162, MedGen C0027672, MeSH D009386, MONDO:0015356.

Submissions (2):

Ambry Genetics
Classification: Uncertain significance for Hereditary cancer-predisposing syndrome. Last evaluated: 2025-05-15. Review status: criteria provided, single submitter. Criteria: Ambry Variant Classification Scheme 2023. Collection method: clinical testing. Allele origin: germline.
Comment: The p.Q595R variant (also known as c.1784A>G), located in coding exon 10 of the SMARCA4 gene, results from an A to G substitution at nucleotide position 1784. The glutamine at codon 595 is replaced by arginine, an amino acid with highly similar properties. This amino acid position is not well conserved in available vertebrate species. In addition, this alteration is predicted to be tolerated by in silico analysis. Based on the available evidence, the clinical significance of this variant remains unclear.

Labcorp Genetics (formerly Invitae), Labcorp
Classification: Uncertain significance for Rhabdoid tumor predisposition syndrome 2. Last evaluated: 2022-04-26. Review status: criteria provided, single submitter. Criteria: Invitae Variant Classification Sherloc (09022015). Collection method: clinical testing. Allele origin: germline.
Comment: Algorithms developed to predict the effect of missense changes on protein structure and function are either unavailable or do not agree on the potential impact of this missense change (SIFT: "Deleterious"; PolyPhen-2: "Benign"; Align-GVGD: "Class C0"). In summary, the available evidence is currently insufficient to determine the role of this variant in disease. Therefore, it has been classified as a Variant of Uncertain Significance. This variant has not been reported in the literature in individuals affected with SMARCA4-related conditions. This variant is not present in population databases (gnomAD no frequency). This sequence change replaces glutamine, which is neutral and polar, with arginine, which is basic and polar, at codon 595 of the SMARCA4 protein (p.Gln595Arg).